The following is an entry in ClinVar:

ClinVar aggregate classification (germline): Likely benign. Review status: reviewed by expert panel (3 of 4 stars). 3 submissions from 3 submitters: Likely benign (1). 2 of the submissions do not count toward it. Last evaluated 2026-08-24.

Conditions:
Inborn genetic diseases. Identifiers: MedGen C0950123, MeSH D030342.
CDKL5 disorder. Identifiers: MedGen CN296942, MONDO:0100039.
Developmental and epileptic encephalopathy, 2 (DEE2). Also called: CDKL5 deficiency disorder; INFANTILE SPASM SYNDROME, X-LINKED 2. Identifiers: Orphanet 1934, Orphanet 3451, Orphanet 505652, MedGen C4750718, MONDO:0010396, OMIM 300672.
Angelman syndrome-like. Identifiers: MedGen CN128785.

Allele frequency attached by ClinVar (database versions not stated): gnomAD exomes below 0.00001; ExAC 0.00001; gnomAD 0.00001; TOPMed 0.00003.
gnomAD v4.1: 7 of 1,207,337 alleles (0.00058%); highest among the groups gnomAD compares: Admixed American, 0.0022%; no homozygotes.

Submissions (3):

ClinGen Rett and Angelman-like Disorders Variant Curation Expert Panel
Classification: Likely benign for CDKL5 disorder. Last evaluated: 2026-08-24. Review status: reviewed by expert panel. Criteria: ClinGen RettAS ACMG Specifications CDKL5 V6.0. Collection method: curation. Allele origin: germline. Inheritance: X-linked inheritance.
Comment: The highest population minor allele frequency of the p.Arg305His variant in CDKL5 in gnomAD v4.1 is 0.00002186 in the Admixed American population, which is higher than the ClinGen Rett and Angelman-like Disorders VCEP threshold (≥0.0000083) for BS1, and therefore meets this criterion (BS1). Computational prediction analysis tools are inconclusive for this variant. In the absence of conflicting evidence, the BS1 evidence is sufficient to classify the variant as Likely Benign based on the specifications defined by the ClinGen Rett and Angelman-like Disorders Variant Curation Expert Panel. (CDKL5 Specification v6.0; curation approved on 8/24/2026)

Labcorp Genetics (formerly Invitae), Labcorp
Classification: Likely benign for Developmental and epileptic encephalopathy, 2; Angelman syndrome-like. Last evaluated: 2025-02-19. Review status: criteria provided, single submitter. Criteria: Invitae Variant Classification Sherloc (09022015). Collection method: clinical testing. Allele origin: germline. Not counted in ClinVar's aggregate classification.

Ambry Genetics
Classification: Uncertain significance for Inborn genetic diseases. Last evaluated: 2018-01-04. Review status: criteria provided, single submitter. Criteria: Ambry Variant Classification Scheme 2023. Collection method: clinical testing. Allele origin: germline. Not counted in ClinVar's aggregate classification.
Comment: The p.R305H variant (also known as c.914G>A), located in coding exon 10 of the CDKL5 gene, results from a G to A substitution at nucleotide position 914. The arginine at codon 305 is replaced by histidine, an amino acid with highly similar properties. This amino acid position is well conserved in available vertebrate species. In addition, this alteration is predicted to be tolerated by in silico analysis. Since supporting evidence is limited at this time, the clinical significance of this alteration remains unclear.

NM_001323289.2(CDKL5):c.914G>A (p.Arg305His)

Gene: CDKL5 (cyclin dependent kinase like 5; plus strand). Cytogenetic location: Xp22.13.
Variant type: single nucleotide variant.
Coding change: c.914G>A on transcript NM_001323289.2 (MANE Select); coding-DNA position 914, G replaced by A.
Protein change: p.Arg305His; replaces arginine 305 with histidine.
Molecular consequence: missense variant.
Genome position (GRCh38, 1-based): chrX:18,598,550, G>A. VCF-style: chrX-18598550-G-A. GRCh37 (hg19) VCF-style: chrX-18616670-G-A.
Other names: NM_001323289.2(CDKL5):c.914G>A; p.Arg305His; c.914G>A, p.Arg305His (NM_001037343.2, NM_003159.3); short protein forms R305H.
Identifiers: ClinVar variation 1765968 (VCV001765968.8), dbSNP rs767817521, ClinGen allele CA10360312.